The following is an entry in ClinVar:

NM_002907.4(RECQL):c.1321dup (p.Tyr441fs)

Gene: RECQL (RecQ like helicase; minus strand). Cytogenetic location: 12p12.1.
Variant type: Duplication.
Coding change: c.1321dup on transcript NM_002907.4 (MANE Select); coding-DNA position 1321, one base duplicated (T; older notation c.1321dupT).
Protein change: p.Tyr441fs; shifts the reading frame from tyrosine 441.
Molecular consequence: frameshift variant.
Genome position (GRCh38, 1-based): chr12:21,474,875, A duplicated on the plus strand (T on the coding strand, the reverse complement: RECQL is on the minus strand); the first of 3 consecutive A bases (chr12:21,474,875-21,474,877); duplicating any one gives the same sequence. VCF-style (leftmost placement, unchanged base first): chr12-21474874-T-TA. GRCh37 (hg19) VCF-style: chr12-21627808-T-TA.
Other names: c.1321dup, p.Tyr441fs (NM_032941.3); short protein forms Y441fs.
Identifiers: ClinVar variation 2450981 (VCV002450981.2), dbSNP rs2540340530, ClinGen allele CA2580085289.
Genomic context (GRCh38, chr12:21,474,874, plus strand): 5'-AAAGTTATAAAAAGGTATGTGGCTTACTTGCTTATGTTTTGACAGTATGATACCATCTCA[T>TA]AAAGCTTCTGCTGTCCCACATTTTCCATCACCACCATTGAACTTATTCTGAATATATCTC-3'

ClinVar aggregate classification (germline): Uncertain significance (1 of 4 stars; one submission).

Submission:

Ambry Genetics
Classification: Uncertain significance. Last evaluated: 2023-02-13. Review status: criteria provided, single submitter. Criteria: Ambry Variant Classification Scheme 2023. Collection method: clinical testing. Allele origin: germline.
Comment: The c.1321dupT variant, located in coding exon 10 of the RECQL gene, results from a duplication of T at nucleotide position 1321, causing a translational frameshift with a predicted alternate stop codon (p.Y441Lfs*2). This alteration is expected to result in loss of function by premature protein truncation or nonsense-mediated mRNA decay. The evidence for this gene-disease relationship is limited; therefore, the clinical significance of this alteration is unclear.